The following is an entry in ClinVar:

ClinVar aggregate classification (germline): Likely benign (1 of 4 stars; one submission).

Conditions:
SIM1-related disorder. Also called: SIM1-related disorders; SIM1-related condition.

Submission:

PreventionGenetics, part of Exact Sciences
Classification: Likely benign for SIM1-related condition. Last evaluated: 2025-01-08. Review status: criteria provided, single submitter. Criteria: ACMG Guidelines, 2015. Collection method: clinical testing. Allele origin: germline.
Comment: This variant is classified as likely benign based on ACMG/AMP sequence variant interpretation guidelines (Richards et al. 2015 PMID: 25741868, with internal and published modifications).

NM_005068.3(SIM1):c.870G>A (p.Val290=)

Gene: SIM1 (SIM bHLH transcription factor 1; minus strand). Cytogenetic location: 6q16.3.
Variant type: single nucleotide variant.
Coding change: c.870G>A on transcript NM_005068.3 (MANE Select); coding-DNA position 870, G replaced by A.
Protein change: p.Val290=; no amino-acid change (valine 290 retained).
Molecular consequence: synonymous variant.
Genome position (GRCh38, 1-based): chr6:100,447,396, C>T on the plus strand (G>A on the coding strand, the complement: SIM1 is on the minus strand). VCF-style: chr6-100447396-C-T. GRCh37 (hg19) VCF-style: chr6-100895272-C-T.
Other names: c.870G>A, p.Val290= (NM_001374769.1).
Identifiers: ClinVar variation 5001419 (VCV005001419.1).